The following is an entry in ClinVar:

NM_024685.4(BBS10):c.340del (p.Gln114fs)

Gene: BBS10 (Bardet-Biedl syndrome 10; minus strand). Cytogenetic location: 12q21.2.
Variant type: Deletion.
Coding change: c.340del on transcript NM_024685.4 (MANE Select); coding-DNA position 340, one base deleted (C; older notation c.340delC).
Protein change: p.Gln114fs; shifts the reading frame from glutamine 114.
Molecular consequence: frameshift variant.
Genome position (GRCh38, 1-based): chr12:76,347,645, G deleted on the plus strand (C on the coding strand, the reverse complement: BBS10 is on the minus strand). VCF-style (leftmost placement, unchanged base first): chr12-76347644-TG-T. GRCh37 (hg19) VCF-style: chr12-76741424-TG-T.
Other names: short protein forms Q114fs.
Identifiers: ClinVar variation 1456454 (VCV001456454.9), dbSNP rs1191479533, ClinGen allele CA691961421.

ClinVar aggregate classification (germline): Pathogenic/Likely pathogenic. Review status: criteria provided, multiple submitters, no conflicts (2 of 4 stars). 2 submissions from 2 submitters: Pathogenic (1); Likely pathogenic (1). Last evaluated 2025-04-18.

Conditions:
Bardet-Biedl syndrome (BBS). Identifiers: Orphanet 110, MedGen C0752166, MONDO:0015229.
Bardet-Biedl syndrome 10 (BBS10). Identifiers: Orphanet 110, MedGen C1859568, MONDO:0014438, OMIM 615987.

Allele frequency attached by ClinVar (database versions not stated): gnomAD 0.00001; gnomAD exomes below 0.00001; TOPMed below 0.00001.

Submissions (2):

Revvity Omics, Revvity
Classification: Likely pathogenic for Bardet-Biedl syndrome 10. Last evaluated: 2025-04-18. Review status: criteria provided, single submitter. Criteria: ACMG Guidelines, 2015. Collection method: clinical testing. Allele origin: germline.

Labcorp Genetics (formerly Invitae), Labcorp
Classification: Pathogenic for Bardet-Biedl syndrome. Last evaluated: 2025-03-18. Review status: criteria provided, single submitter. Criteria: Invitae Variant Classification Sherloc (09022015). Collection method: clinical testing. Allele origin: germline.
Comment: This sequence change creates a premature translational stop signal (p.Gln114Lysfs*21) in the BBS10 gene. While this is not anticipated to result in nonsense mediated decay, it is expected to disrupt the last 610 amino acid(s) of the BBS10 protein. This variant is not present in population databases (gnomAD no frequency). This variant has not been reported in the literature in individuals affected with BBS10-related conditions. ClinVar contains an entry for this variant (Variation ID: 1456454). This variant disrupts a region of the BBS10 protein in which other variant(s) (p.Val707*) have been determined to be pathogenic (PMID: 20472660, 22773737, 25982971, 27486776). This suggests that this is a clinically significant region of the protein, and that variants that disrupt it are likely to be disease-causing. For these reasons, this variant has been classified as Pathogenic.

Literature cited by the submitters: PubMed 20472660 (cited by Labcorp Genetics (formerly Invitae), Labcorp); PubMed 22773737 (cited by Labcorp Genetics (formerly Invitae), Labcorp); PubMed 25982971 (cited by Labcorp Genetics (formerly Invitae), Labcorp); PubMed 27486776 (cited by Labcorp Genetics (formerly Invitae), Labcorp).